The following is an entry in ClinVar:

ClinVar aggregate classification (germline): Conflicting classifications of pathogenicity. Review status: criteria provided, conflicting classifications (1 of 4 stars). 5 submissions from 5 submitters: Uncertain significance (1); Likely benign (3). 1 of the submissions does not count toward it. Last evaluated 2026-09-23.

Conditions:
ARSB-related disorder. Also called: ARSB-related condition.
Mucopolysaccharidosis type 6 (MPS6). Also called: ARSB DEFICIENCY; ARYLSULFATASE B DEFICIENCY; MPS 6; Maroteaux Lamy syndrome; MPS VI; N-ACETYLGALACTOSAMINE-4-SULFATASE DEFICIENCY. Identifiers: Orphanet 583, MedGen C0026709, MONDO:0009661, OMIM 253200.

Allele frequency attached by ClinVar (database versions not stated): ESP Exome Variant Server 0.00023; TOPMed 0.00023; ExAC 0.00024; gnomAD exomes 0.00027 and 0.00029; gnomAD 0.00038 and 0.00039.
gnomAD v4.1: 473 of 1,613,954 alleles (0.029%); highest among the groups gnomAD compares: Non-Finnish European, 0.035%; no homozygotes.

Submissions (5):

PreventionGenetics, part of Exact Sciences
Classification: Likely benign for ARSB-related condition. Last evaluated: 2026-09-23. Review status: criteria provided, single submitter. Criteria: ACMG Guidelines, 2015. Collection method: clinical testing. Allele origin: germline.
Comment: This variant is classified as likely benign based on ACMG/AMP sequence variant interpretation guidelines (Richards et al. 2015 PMID: 25741868, with internal and published modifications).

Labcorp Genetics (formerly Invitae), Labcorp
Classification: Likely benign for Mucopolysaccharidosis type 6. Last evaluated: 2026-01-19. Review status: criteria provided, single submitter. Criteria: Invitae Variant Classification Sherloc (09022015). Collection method: clinical testing. Allele origin: germline.

Blueprint Genetics
Classification: Likely benign. Last evaluated: 2024-11-22. Review status: criteria provided, single submitter. Criteria: ACMG Guidelines, 2015. Collection method: clinical testing. Allele origin: germline.

CeGaT Center for Human Genetics Tuebingen
Classification: Uncertain significance. Last evaluated: 2017-06-01. Review status: criteria provided, single submitter. Criteria: CeGaT Center For Human Genetics Tuebingen Variant Classification Criteria Version 2. Collection method: clinical testing. Allele origin: germline. Affected: yes. Observed: 1 variant allele.

Natera, Inc.
Classification: Uncertain significance for Mucopolysaccharidosis type VI. Last evaluated: 2019-10-28. Review status: no assertion criteria provided. Collection method: clinical testing. Allele origin: germline. Not counted in ClinVar's aggregate classification.

NM_000046.5(ARSB):c.1123G>A (p.Asp375Asn)

Gene: ARSB (arylsulfatase B; minus strand). Cytogenetic location: 5q14.1.
Variant type: single nucleotide variant.
Coding change: c.1123G>A on transcript NM_000046.5 (MANE Select); coding-DNA position 1123, G replaced by A.
Protein change: p.Asp375Asn; replaces aspartic acid 375 with asparagine.
Molecular consequence: missense variant.
Genome position (GRCh38, 1-based): chr5:78,885,603, C>T on the plus strand (G>A on the coding strand, the complement: ARSB is on the minus strand). VCF-style: chr5-78885603-C-T. GRCh37 (hg19) VCF-style: chr5-78181426-C-T.
Other names: c.1123G>A, p.Asp375Asn (NM_198709.3); short protein forms D375N.
Identifiers: ClinVar variation 444656 (VCV000444656.54), dbSNP rs200040980, ClinGen allele CA3318117.